The following is an entry in ClinVar:

ClinVar aggregate classification (germline): Uncertain significance (1 of 4 stars; one submission).

Conditions:
LAMP3-related disorder.

Submission:

Undiagnosed Diseases Network, NIH
Classification: Uncertain significance for LAMP3-related disorder. Last evaluated: 2025-08-20. Review status: criteria provided, single submitter. Criteria: ACMG Guidelines, 2015. Collection method: clinical testing. Allele origin: biparental. Affected: yes. Observed: 1 variant allele, 1 homozygote. Study: Undiagnosed Diseases Network (NIH), UDN.
Comment: The c.247del variant in the LAMP3 gene has not previously been described in ClinVar. This variant has been observed in gnomAD at a low frequency (0.00002231) with no homozygous occurences. This frameshift variant is located in exon 2 of 6 and the variant is predicted to cause nonsense-mediated decay (NMD).

NM_014398.4(LAMP3):c.247del (p.Ile83fs)

Gene: LAMP3 (lysosome associated membrane protein 3; minus strand). Cytogenetic location: 3q27.1.
Variant type: Deletion.
Coding change: c.247del on transcript NM_014398.4 (MANE Select); coding-DNA position 247, one base deleted (A; older notation c.247delA).
Protein change: p.Ile83fs; shifts the reading frame from isoleucine 83.
Molecular consequence: frameshift variant.
Genome position (GRCh38, 1-based): chr3:183,154,194, T deleted on the plus strand (A on the coding strand, the reverse complement: LAMP3 is on the minus strand); the first of 5 consecutive T bases (chr3:183,154,194-183,154,198); deleting any one gives the same sequence. VCF-style (leftmost placement, unchanged base first): chr3-183154193-AT-A. GRCh37 (hg19) VCF-style: chr3-182871981-AT-A.
Other names: short protein forms I83fs.
Identifiers: ClinVar variation 4277375 (VCV004277375.1).